The following is an entry in ClinVar:

ClinVar aggregate classification (germline): Conflicting classifications of pathogenicity. Review status: criteria provided, conflicting classifications (1 of 4 stars). 2 submissions from 2 submitters: Uncertain significance (1); Likely benign (1). Last evaluated 2025-04-07.

Conditions:
RASopathy. Also called: rasopathies; Noonan spectrum disorder. Identifiers: Orphanet 536391, MedGen C5555857, MONDO:0021060.
Cardiovascular phenotype. Identifiers: MedGen CN230736.

Allele frequency attached by ClinVar (database versions not stated): gnomAD exomes below 0.00001; ExAC 0.00001; gnomAD 0.00002; TOPMed 0.00002; ESP Exome Variant Server 0.00008.
gnomAD v4.1: 3 of 1,613,830 alleles (0.00019%); highest among the groups gnomAD compares: African/African-American, 0.0027%; no homozygotes.

Submissions (2):

Ambry Genetics
Classification: Uncertain significance for Cardiovascular phenotype. Last evaluated: 2025-04-07. Review status: criteria provided, single submitter. Criteria: Ambry Variant Classification Scheme 2023. Collection method: clinical testing. Allele origin: germline.
Comment: The p.N344S variant (also known as c.1031A>G), located in coding exon 7 of the CBL gene, results from an A to G substitution at nucleotide position 1031. The asparagine at codon 344 is replaced by serine, an amino acid with highly similar properties. This amino acid position is conserved. In addition, this alteration is predicted to be tolerated by in silico analysis. Based on the available evidence, the clinical significance of this variant remains unclear.

Labcorp Genetics (formerly Invitae), Labcorp
Classification: Likely benign for RASopathy. Last evaluated: 2024-03-21. Review status: criteria provided, single submitter. Criteria: Invitae Variant Classification Sherloc (09022015). Collection method: clinical testing. Allele origin: germline.

NM_005188.4(CBL):c.1031A>G (p.Asn344Ser)

Gene: CBL (Cbl proto-oncogene; plus strand). Cytogenetic location: 11q23.3.
Variant type: single nucleotide variant.
Coding change: c.1031A>G on transcript NM_005188.4 (MANE Select); coding-DNA position 1031, A replaced by G.
Protein change: p.Asn344Ser; replaces asparagine 344 with serine.
Molecular consequence: missense variant.
Genome position (GRCh38, 1-based): chr11:119,277,780, A>G. VCF-style: chr11-119277780-A-G. GRCh37 (hg19) VCF-style: chr11-119148490-A-G.
Other names: c.1031A>G (NM_005188.2); short protein forms N344S.
Identifiers: ClinVar variation 1358404 (VCV001358404.8), dbSNP rs370489946, ClinGen allele CA6318414.
Genomic context (GRCh38, chr11:119,277,780, plus strand): 5'-GGCTTAAATAAAACCCAGGGTTGGTTACTCTTTACAGCTATTTGTTTCCTGATGGACGAA[A>G]TCAGAATCCTGATCTGACTGGCTTATGTGAACCAACTCCCCAAGACCATATCAAAGTGAC-3'
Protein context (NP_005179.2, residues 334-354): EGFYLFPDGR[Asn344Ser]QNPDLTGLCE